The following is an entry in ClinVar:

ClinVar aggregate classification (germline): Pathogenic (1 of 4 stars; one submission).

Submission:

Athena Diagnostics
Classification: Pathogenic. Last evaluated: 2024-02-29. Review status: criteria provided, single submitter. Criteria: Athena Diagnostics Criteria. Collection method: clinical testing. Allele origin: unknown.
Comment: This variant has been identified in at least one individual with clinical features associated with CADASIL. This variant has not been reported in large, multi-ethnic general populations. This variant alters a critical location within the protein, and is expected to severely affect function and cause disease. Greater than 90% of NOTCH3 pathogenic variants associated with CADASIL involve the gain or loss of a cysteine residue within the epidermal growth factor (EGF)-like repeat domain (PMID: 32457593, 20301673).

Literature cited by the submitters: PubMed 37237429.

NM_000435.3(NOTCH3):c.985T>C (p.Cys329Arg)

Gene: NOTCH3 (notch receptor 3; minus strand). Cytogenetic location: 19p13.12.
Variant type: single nucleotide variant.
Coding change: c.985T>C on transcript NM_000435.3 (MANE Select); coding-DNA position 985, T replaced by C.
Protein change: p.Cys329Arg; replaces cysteine 329 with arginine.
Molecular consequence: missense variant.
Genome position (GRCh38, 1-based): chr19:15,191,475, A>G on the plus strand (T>C on the coding strand, the complement: NOTCH3 is on the minus strand). VCF-style: chr19-15191475-A-G. GRCh37 (hg19) VCF-style: chr19-15302286-A-G.
Other names: short protein forms C329R.
Identifiers: ClinVar variation 3571598 (VCV003571598.1).